The following is an entry in ClinVar:

NM_001040142.2(SCN2A):c.4156T>C (p.Cys1386Arg)

Gene: SCN2A (sodium voltage-gated channel alpha subunit 2; plus strand). Cytogenetic location: 2q24.3.
Variant type: single nucleotide variant.
Coding change: c.4156T>C on transcript NM_001040142.2 (MANE Select); coding-DNA position 4156, T replaced by C.
Protein change: p.Cys1386Arg; replaces cysteine 1386 with arginine.
Molecular consequence: missense variant.
Genome position (GRCh38, 1-based): chr2:165,374,868, T>C. VCF-style: chr2-165374868-T-C. GRCh37 (hg19) VCF-style: chr2-166231378-T-C.
Other names: c.4156T>C, p.Cys1386Arg (NM_001040143.2, NM_001371246.1, NM_001371247.1 and 1 more transcripts); short protein forms C1386R.
Identifiers: ClinVar variation 1727252 (VCV001727252.2), dbSNP rs794727364, ClinGen allele CA349031201.

Conditions:
Complex neurodevelopmental disorder. Identifiers: Orphanet 528084, MedGen C5568766, MONDO:0100038.

Submission:

Channelopathy-Associated Epilepsy Research Center
No classification provided (evidence only). Condition: Complex neurodevelopmental disorder. Review status: no classification provided. Collection method: literature only. Allele origin: not applicable. Functional consequence: Overall loss-of-function, Absence of peak current.
ClinVar note: "not provided" was previously submitted as the classification for the variant. However, the classification appeared to be based only on an observation of functional data so it was converted to no classification on 2025-07-30.

Literature cited by the submitters: PubMed 28256214.